The following is an entry in ClinVar:

ClinVar aggregate classification (germline): Uncertain significance (1 of 4 stars; one submission).

Submission:

Ambry Genetics
Classification: Uncertain significance. Last evaluated: 2026-04-11. Review status: criteria provided, single submitter. Criteria: Ambry Variant Classification Scheme 2023. Collection method: clinical testing. Allele origin: germline.
Comment: The p.E1698V variant (also known as c.5093A>T), located in coding exon 22 of the WNK2 gene, results from an A to T substitution at nucleotide position 5093. The glutamic acid at codon 1698 is replaced by valine, an amino acid with dissimilar properties. This amino acid position is conserved. In addition, this alteration is predicted to be tolerated by in silico analysis. Based on the available evidence, the clinical significance of this variant remains unclear.

NM_006648.4(WNK2):c.5093A>T (p.Glu1698Val)

Gene: WNK2 (WNK lysine deficient protein kinase 2; plus strand). Cytogenetic location: 9q22.31.
Variant type: single nucleotide variant.
Coding change: c.5093A>T on transcript NM_006648.4 (MANE Select); coding-DNA position 5093, A replaced by T.
Protein change: p.Glu1698Val; replaces glutamic acid 1698 with valine.
Molecular consequence: missense variant.
Genome position (GRCh38, 1-based): chr9:93,292,558, A>T. VCF-style: chr9-93292558-A-T. GRCh37 (hg19) VCF-style: chr9-96054840-A-T.
Other names: c.5204A>T, p.Glu1735Val (NM_001282394.3); short protein forms E1698V, E1735V.
Identifiers: ClinVar variation 4866585 (VCV004866585.1).